The following is an entry in ClinVar:

NM_005068.3(SIM1):c.*51G>A

Gene: SIM1 (SIM bHLH transcription factor 1; minus strand). Cytogenetic location: 6q16.3.
Variant type: single nucleotide variant.
Coding change: c.*51G>A on transcript NM_005068.3 (MANE Select); 51 bases downstream of the stop codon, G replaced by A.
Molecular consequence: 3 prime UTR variant.
Genome position (GRCh38, 1-based): chr6:100,390,310, C>T on the plus strand (G>A on the coding strand, the complement: SIM1 is on the minus strand). VCF-style: chr6-100390310-C-T. GRCh37 (hg19) VCF-style: chr6-100838186-C-T.
Other names: c.*51G>A (NM_001374769.1).
Identifiers: ClinVar variation 354674 (VCV000354674.5), dbSNP rs55805997, ClinGen allele CA3936824.

ClinVar aggregate classification (germline): Benign (1 of 4 stars; one submission).

Conditions:
Obesity due to SIM1 deficiency. Identifiers: Orphanet 369873, MedGen C5191050, MONDO:0018244.

Allele frequency attached by ClinVar (database versions not stated): gnomAD exomes 0.00107 and 0.00310; ExAC 0.00351; gnomAD 0.01085 and 0.01156; 1000 Genomes Project 0.01158; ESP Exome Variant Server 0.01176; 1000 Genomes Project 30x 0.01249; TOPMed 0.01288.
gnomAD v4.1: 3,235 of 1,567,458 alleles (0.21%); highest among the groups gnomAD compares: African/African-American, 3.7%; 58 homozygotes.

Submission:

Illumina Laboratory Services, Illumina
Classification: Benign for Obesity due to SIM1 deficiency. Last evaluated: 2018-01-13. Review status: criteria provided, single submitter. Criteria: ICSL Variant Classification Criteria 13 December 2019. Collection method: clinical testing. Allele origin: germline.
Comment: This variant was observed in the ICSL laboratory as part of a predisposition screen in an ostensibly healthy population. It had not been previously curated by ICSL or reported in the Human Gene Mutation Database (HGMD: prior to June 1st, 2018), and was therefore a candidate for classification through an automated scoring system. Utilizing variant allele frequency, disease prevalence and penetrance estimates, and inheritance mode, an automated score was calculated to assess if this variant is too frequent to cause the disease. Based on the score and internal cut-off values, a variant classified as benign is not then subjected to further curation. The score for this variant resulted in a classification of benign for this disease.